The following is an entry in ClinVar:

NC_000023.10:g.(?_32509374)_(32509655_?)dup

Gene: DMD (dystrophin; minus strand). Cytogenetic location: Xp21.1.
Variant type: Duplication.
Identifiers: ClinVar variation 647959 (VCV000647959.8).

ClinVar aggregate classification (germline): Pathogenic (1 of 4 stars; one submission).

Conditions:
Duchenne muscular dystrophy (DMD). Also called: MUSCULAR DYSTROPHY, PSEUDOHYPERTROPHIC PROGRESSIVE, DUCHENNE TYPE; Duchenne Muscular Dystrophy (DMD). Identifiers: Orphanet 98896, MedGen C0013264, MONDO:0010679, OMIM 310200.

Submission:

Labcorp Genetics (formerly Invitae), Labcorp
Classification: Pathogenic for Duchenne muscular dystrophy. Last evaluated: 2018-07-31. Review status: criteria provided, single submitter. Criteria: Invitae Variant Classification Sherloc (09022015). Collection method: clinical testing. Allele origin: germline.
Comment: For these reasons, this variant has been classified as Pathogenic. Loss-of-function variants in DMD are known to be pathogenic (PMID: 16770791, 25007885). This variant has been observed in individuals affected with Duchenne muscular dystrophy (PMID:¬†15643612, Invitae). This variant results in a copy number gain of the genomic region encompassing exon 20 of the DMD gene. While the exact position of this variant cannot be determined from this data, sub-genic copy number gains are generally in tandem (PMID: 25640679) and may result in an absent or disrupted protein product.

Literature cited by the submitters: PubMed 16770791; PubMed 25007885; PubMed 25640679.